The following is an entry in ClinVar:

NM_015459.5(ATL3):c.642T>A (p.Asp214Glu)

Genes: ATL3 (atlastin GTPase 3; minus strand), LNCROPM (lncRNA regulator of PLAAT3 mediated phospholipid metabolism; plus strand). Cytogenetic location: 11q13.1.
Variant type: single nucleotide variant.
Coding change: c.642T>A on transcript NM_015459.5 (MANE Select); coding-DNA position 642, T replaced by A.
Protein change: p.Asp214Glu; replaces aspartic acid 214 with glutamic acid.
Molecular consequence: missense variant.
Genome position (GRCh38, 1-based): chr11:63,644,238, A>T on the plus strand (T>A on the coding strand, the complement: ATL3 is on the minus strand). VCF-style: chr11-63644238-A-T. GRCh37 (hg19) VCF-style: chr11-63411710-A-T.
Other names: c.588T>A, p.Asp196Glu (NM_001290048.2); c.591T>A, p.Asp197Glu (NM_001440716.1); c.585T>A, p.Asp195Glu (NM_001440717.1); c.642T>A, p.Asp214Glu (NM_001440718.1); c.537T>A, p.Asp179Glu (NM_001440719.1); c.531T>A, p.Asp177Glu (NM_001440720.1); c.486T>A, p.Asp162Glu (NM_001440721.1); c.429T>A, p.Asp143Glu (NM_001440722.1); short protein forms D162E, D195E, D196E, D197E, D214E, D143E, D177E, D179E.
Identifiers: ClinVar variation 4743792 (VCV004743792.1).

ClinVar aggregate classification (germline): Uncertain significance (1 of 4 stars; one submission).

Conditions:
Neuropathy, hereditary sensory, type 1F. Also called: Hereditary sensory neuropathy type IF; HSN IF. Identifiers: Orphanet 36386, MedGen C3810194, MONDO:0014286, OMIM 615632.

Submission:

Labcorp Genetics (formerly Invitae), Labcorp
Classification: Uncertain significance for Neuropathy, hereditary sensory, type 1F. Last evaluated: 2025-06-24. Review status: criteria provided, single submitter. Criteria: Invitae Variant Classification Sherloc (09022015). Collection method: clinical testing. Allele origin: germline.
Comment: This sequence change replaces aspartic acid, which is acidic and polar, with glutamic acid, which is acidic and polar, at codon 214 of the ATL3 protein (p.Asp214Glu). This variant is not present in population databases (gnomAD no frequency). This variant has not been reported in the literature in individuals affected with ATL3-related conditions. Invitae Evidence Modeling of protein sequence and biophysical properties (such as structural, functional, and spatial information, amino acid conservation, physicochemical variation, residue mobility, and thermodynamic stability) indicates that this missense variant is expected to disrupt ATL3 protein function with a positive predictive value of 80%. In summary, the available evidence is currently insufficient to determine the role of this variant in disease. Therefore, it has been classified as a Variant of Uncertain Significance.